The following is an entry in ClinVar:

NM_003396.3(WNT9B):c.290G>A (p.Arg97His)

Genes: WNT9B (Wnt family member 9B; plus strand), LRRC37A2 (leucine rich repeat containing 37 member A2). Cytogenetic location: 17q21.32.
Variant type: single nucleotide variant.
Coding change: c.290G>A on transcript NM_003396.3 (MANE Select); coding-DNA position 290, G replaced by A.
Protein change: p.Arg97His; replaces arginine 97 with histidine.
Molecular consequence: missense variant.
Genome position (GRCh38, 1-based): chr17:46,872,729, G>A. VCF-style: chr17-46872729-G-A. GRCh37 (hg19) VCF-style: chr17-44950095-G-A.
Other names: c.290G>A, p.Arg97His (NM_001320458.2); short protein forms R97H.
Identifiers: ClinVar variation 3046360 (VCV003046360.2), dbSNP rs201223229, ClinGen allele CA8620811.

ClinVar aggregate classification (germline): Likely benign (0 of 4 stars; one submission).

Conditions:
WNT9B-related disorder. Also called: WNT9B-related condition.

Allele frequency attached by ClinVar (database versions not stated): ExAC 0.00031; 1000 Genomes Project 30x 0.00062; 1000 Genomes Project 0.00080.
gnomAD v4.1: 250 of 1,612,600 alleles (0.016%); highest among the groups gnomAD compares: South Asian, 0.24%; 1 homozygote.

Submission:

PreventionGenetics, part of Exact Sciences
Classification: Likely benign for WNT9B-related condition. Last evaluated: 2022-03-21. Review status: no assertion criteria provided. Collection method: clinical testing. Allele origin: germline.
Comment: This variant is classified as likely benign based on ACMG/AMP sequence variant interpretation guidelines (Richards et al. 2015 PMID: 25741868, with internal and published modifications).